The following is an entry in ClinVar:

ClinVar aggregate classification (germline): Uncertain significance (1 of 4 stars; one submission).

Conditions:
Neuroblastoma, susceptibility to, 3. Also called: ALK-Related Neuroblastic Tumor Susceptibility. Identifiers: Orphanet 635, MedGen C2751681, MONDO:0013083, OMIM 613014.

Submission:

Labcorp Genetics (formerly Invitae), Labcorp
Classification: Uncertain significance for Neuroblastoma, susceptibility to, 3. Last evaluated: 2022-09-08. Review status: criteria provided, single submitter. Criteria: Invitae Variant Classification Sherloc (09022015). Collection method: clinical testing. Allele origin: germline.
Comment: In summary, the available evidence is currently insufficient to determine the role of this variant in disease. Therefore, it has been classified as a Variant of Uncertain Significance. Algorithms developed to predict the effect of missense changes on protein structure and function (SIFT, PolyPhen-2, Align-GVGD) all suggest that this variant is likely to be disruptive. ClinVar contains an entry for this variant (Variation ID: 641443). This variant has not been reported in the literature in individuals affected with ALK-related conditions. This variant is not present in population databases (gnomAD no frequency). This sequence change replaces valine, which is neutral and non-polar, with leucine, which is neutral and non-polar, at codon 1040 of the ALK protein (p.Val1040Leu).

NM_004304.5(ALK):c.3118G>T (p.Val1040Leu)

Gene: ALK (ALK receptor tyrosine kinase; minus strand). Cytogenetic location: 2p23.2.
Variant type: single nucleotide variant.
Coding change: c.3118G>T on transcript NM_004304.5 (MANE Select); coding-DNA position 3118, G replaced by T.
Protein change: p.Val1040Leu; replaces valine 1040 with leucine.
Molecular consequence: missense variant.
Genome position (GRCh38, 1-based): chr2:29,225,515, C>A on the plus strand (G>T on the coding strand, the complement: ALK is on the minus strand). VCF-style: chr2-29225515-C-A. GRCh37 (hg19) VCF-style: chr2-29448381-C-A.
Other names: short protein forms V1040L.
Identifiers: ClinVar variation 641443 (VCV000641443.8), dbSNP rs763143588, ClinGen allele CA346466928.